The following is an entry in ClinVar:

ClinVar aggregate classification (germline): Uncertain significance (1 of 4 stars; one submission).

Conditions:
Hereditary cancer-predisposing syndrome. Also called: Neoplastic Syndromes, Hereditary; Tumor predisposition; Hereditary Cancer Syndrome; Hereditary neoplastic syndrome. Identifiers: Orphanet 140162, MedGen C0027672, MeSH D009386, MONDO:0015356.

Submission:

Ambry Genetics
Classification: Uncertain significance for Hereditary cancer-predisposing syndrome. Last evaluated: 2025-11-30. Review status: criteria provided, single submitter. Criteria: Ambry Variant Classification Scheme 2023. Collection method: clinical testing. Allele origin: germline.
Comment: The p.S1620C variant (also known as c.4858A>T), located in coding exon 22 of the DICER1 gene, results from an A to T substitution at nucleotide position 4858. The serine at codon 1620 is replaced by cysteine, an amino acid with dissimilar properties. This amino acid position is conserved. In addition, this alteration is predicted to be tolerated by in silico analysis. Based on the available evidence, the clinical significance of this variant remains unclear.

NM_177438.3(DICER1):c.4858A>T (p.Ser1620Cys)

Gene: DICER1 (dicer 1, ribonuclease III; minus strand). Cytogenetic location: 14q32.13.
Variant type: single nucleotide variant.
Coding change: c.4858A>T on transcript NM_177438.3 (MANE Select); coding-DNA position 4858, A replaced by T.
Protein change: p.Ser1620Cys; replaces serine 1620 with cysteine.
Molecular consequence: missense variant. On other transcripts: non-coding transcript variant (6).
Genome position (GRCh38, 1-based): chr14:95,096,062, T>A on the plus strand (A>T on the coding strand, the complement: DICER1 is on the minus strand). VCF-style: chr14-95096062-T-A. GRCh37 (hg19) VCF-style: chr14-95562399-T-A.
Other names: c.4858A>T, p.Ser1620Cys (NM_001195573.1, NM_001271282.3, NM_001291628.2 and 12 more transcripts); c.4576A>T, p.Ser1526Cys (NM_001395686.1); c.4453A>T, p.Ser1485Cys (NM_001395687.1, NM_001395688.1, NM_001395689.1 and 2 more transcripts); c.4291A>T, p.Ser1431Cys (NM_001395691.1); c.3175A>T, p.Ser1059Cys (NM_001395697.1); short protein forms S1485C, S1620C, S1526C, S1059C, S1431C.
Identifiers: ClinVar variation 4637806 (VCV004637806.1).